The following is an entry in ClinVar:

NM_004656.4(BAP1):c.974C>A (p.Ser325Tyr)

Gene: BAP1 (BRCA1 associated deubiquitinase 1; minus strand). Cytogenetic location: 3p21.1.
Variant type: single nucleotide variant.
Coding change: c.974C>A on transcript NM_004656.4 (MANE Select); coding-DNA position 974, C replaced by A.
Protein change: p.Ser325Tyr; replaces serine 325 with tyrosine.
Molecular consequence: missense variant.
Genome position (GRCh38, 1-based): chr3:52,405,252, G>T on the plus strand (C>A on the coding strand, the complement: BAP1 is on the minus strand). VCF-style: chr3-52405252-G-T. GRCh37 (hg19) VCF-style: chr3-52439268-G-T.
Other names: c.920C>A, p.Ser307Tyr (NM_001410772.1); short protein forms S325Y, S307Y.
Identifiers: ClinVar variation 3478040 (VCV003478040.1).

ClinVar aggregate classification (germline): Uncertain significance (1 of 4 stars; one submission).

Conditions:
Hereditary cancer-predisposing syndrome. Also called: Tumor predisposition; Neoplastic Syndromes, Hereditary; Hereditary neoplastic syndrome; Hereditary Cancer Syndrome. Identifiers: Orphanet 140162, MedGen C0027672, MeSH D009386, MONDO:0015356.

Submission:

Ambry Genetics
Classification: Uncertain significance for Hereditary cancer-predisposing syndrome. Last evaluated: 2024-12-10. Review status: criteria provided, single submitter. Criteria: Ambry Variant Classification Scheme 2023. Collection method: clinical testing. Allele origin: germline.
Comment: The p.S325Y variant (also known as c.974C>A), located in coding exon 11 of the BAP1 gene, results from a C to A substitution at nucleotide position 974. The serine at codon 325 is replaced by tyrosine, an amino acid with dissimilar properties. This amino acid position is conserved. In addition, this alteration is predicted to be tolerated by in silico analysis. Based on the available evidence, the clinical significance of this variant remains unclear.